The following is an entry in ClinVar:

ClinVar aggregate classification (germline): Conflicting classifications of pathogenicity. Review status: criteria provided, conflicting classifications (1 of 4 stars). 6 submissions from 6 submitters: Uncertain significance (3); Likely benign (1). 2 of the submissions do not count toward it. Last evaluated 2026-01-28.

Conditions:
Enhanced S-cone syndrome (ESCS). Identifiers: Orphanet 53540, MedGen C1849394, MONDO:0100288, MONDO:0009989.
Retinitis pigmentosa 37 (RP37). Identifiers: Orphanet 791, MedGen C1970163, MONDO:0012625, OMIM 611131.
NR2E3-related disorder. Also called: NR2E3-related disorders; NR2E3-related condition. Identifiers: MedGen CN239387.
Retinal dystrophy. Also called: Inherited retinal dystrophy. Identifiers: Orphanet 71862, MedGen C0854723, MeSH D058499, MONDO:0019118, HP:0000556.

Allele frequency attached by ClinVar (database versions not stated): TOPMed 0.00009; gnomAD 0.00011 and 0.00012; gnomAD exomes 0.00022; ExAC 0.00029.

Submissions (6):

Labcorp Genetics (formerly Invitae), Labcorp
Classification: Likely benign. Last evaluated: 2026-01-28. Review status: criteria provided, single submitter. Criteria: Invitae Variant Classification Sherloc (09022015). Collection method: clinical testing. Allele origin: germline.

PreventionGenetics, part of Exact Sciences
Classification: Uncertain significance for NR2E3-related condition. Last evaluated: 2025-11-05. Review status: criteria provided, single submitter. Criteria: ACMG Guidelines, 2015. Collection method: clinical testing. Allele origin: germline.
Comment: The NR2E3 c.1195C>A variant is predicted to result in the amino acid substitution p.Pro399Thr. To our knowledge, this variant has not been reported in the literature. This variant is reported in 0.14% of alleles in individuals of Ashkenazi Jewish descent in gnomAD. Although we suspect that this variant may be benign, at this time, the clinical significance of this variant is uncertain due to the absence of conclusive functional and genetic evidence.

Blueprint Genetics
Classification: Uncertain significance. Last evaluated: 2024-10-24. Review status: criteria provided, single submitter. Criteria: ACMG Guidelines, 2015. Collection method: clinical testing. Allele origin: germline.

Fulgent Genetics
Classification: Uncertain significance for ENHANCED S-CONE SYNDROME 1; Retinitis pigmentosa 37. Last evaluated: 2022-03-08. Review status: criteria provided, single submitter. Criteria: ACMG Guidelines, 2015. Collection method: clinical testing. Allele origin: unknown.

Institute of Human Genetics, Univ. Regensburg, Univ. Regensburg
Classification: Uncertain significance for Retinal dystrophy. Last evaluated: 2018-01-01. Review status: no assertion criteria provided. Criteria: ACMG Guidelines, 2015. Collection method: clinical testing. Allele origin: germline. Affected: yes. Not counted in ClinVar's aggregate classification.

Counsyl
Classification: Uncertain significance for Retinitis pigmentosa 37; ENHANCED S-CONE SYNDROME 1. Last evaluated: 2017-07-12. Review status: no assertion criteria provided. Collection method: clinical testing. Allele origin: unknown. Not counted in ClinVar's aggregate classification.

NM_014249.4(NR2E3):c.1195C>A (p.Pro399Thr)

Gene: NR2E3 (nuclear receptor subfamily 2 group E member 3; plus strand). Cytogenetic location: 15q23.
Variant type: single nucleotide variant.
Coding change: c.1195C>A on transcript NM_014249.4 (MANE Select); coding-DNA position 1195, C replaced by A.
Protein change: p.Pro399Thr; replaces proline 399 with threonine.
Molecular consequence: missense variant.
Genome position (GRCh38, 1-based): chr15:71,817,646, C>A. VCF-style: chr15-71817646-C-A. GRCh37 (hg19) VCF-style: chr15-72109987-C-A.
Other names: c.1195C>A (NM_014249.3); short protein forms P399T.
Identifiers: ClinVar variation 552868 (VCV000552868.10), dbSNP rs199564404, ClinGen allele CA7640544.